The following is an entry in ClinVar:

ClinVar aggregate classification (germline): Uncertain significance (1 of 4 stars; one submission).

Submission:

GeneDx
Classification: Uncertain significance. Last evaluated: 2023-10-04. Review status: criteria provided, single submitter. Criteria: GeneDx Variant Classification Process June 2021. Collection method: clinical testing. Allele origin: germline. Affected: yes.
Comment: Frameshift variant predicted to result in protein truncation as the last 49 amino acids are replaced with 11 different amino acids, although loss-of-function variants have not been reported downstream of this position in the protein; Not observed at significant frequency in large population cohorts (gnomAD); Has not been previously published as pathogenic or benign to our knowledge

NM_006009.4(TUBA1A):c.1207_1214del (p.Ala403fs)

Gene: TUBA1A (tubulin alpha 1a; minus strand). Cytogenetic location: 12q13.12.
Variant type: Deletion.
Coding change: c.1207_1214del on transcript NM_006009.4 (MANE Select); coding-DNA positions 1207 to 1214, 8 bases deleted (GCCTTTGT; older notation c.1207_1214delGCCTTTGT).
Protein change: p.Ala403fs; shifts the reading frame from alanine 403.
Molecular consequence: frameshift variant.
Genome position (GRCh38, 1-based): chr12:49,185,152-49,185,159, ACAAAGGC deleted on the plus strand (GCCTTTGT on the coding strand, the reverse complement: TUBA1A is on the minus strand); deleting any 8 consecutive bases within chr12:49,185,152-49,185,161 gives the same sequence; the c. name uses the placement nearest the transcript's 3' end. VCF-style (leftmost placement, unchanged base first): chr12-49185151-AACAAAGGC-A. GRCh37 (hg19) VCF-style: chr12-49578934-AACAAAGGC-A.
Other names: c.1207_1214del, p.Ala403fs (NM_001270399.2); c.1102_1109del, p.Ala368fs (NM_001270400.2); short protein forms A368fs, A403fs.
Identifiers: ClinVar variation 3342797 (VCV003342797.1).